The following is an entry in ClinVar:

NM_001159773.2(CANT1):c.56G>A (p.Arg19Gln)

Gene: CANT1 (calcium activated nucleotidase 1; minus strand). Cytogenetic location: 17q25.3.
Variant type: single nucleotide variant.
Coding change: c.56G>A on transcript NM_001159773.2 (MANE Select); coding-DNA position 56, G replaced by A.
Protein change: p.Arg19Gln; replaces arginine 19 with glutamine.
Molecular consequence: missense variant.
Genome position (GRCh38, 1-based): chr17:78,997,567, C>T on the plus strand (G>A on the coding strand, the complement: CANT1 is on the minus strand). VCF-style: chr17-78997567-C-T. GRCh37 (hg19) VCF-style: chr17-76993649-C-T.
Other names: c.56G>A, p.Arg19Gln (NM_001159772.2, NM_138793.4); short protein forms R19Q.
Identifiers: ClinVar variation 279729 (VCV000279729.28), dbSNP rs144060377, ClinGen allele CA8808832.
Genomic context (GRCh38, chr17:78,997,567, plus strand): 5'-AAGCGGGGGTCCGCGGCCTTGGTCATGGACGCCAGCACAGGAAGGCCCCCCACACTGATC[C>T]GGAGGGAGTGCATAGACTCATTCCATTCCGGGTGCTCAGACAGCTGCACGGGCATCAGCG-3'
Protein context (NP_001153245.1, residues 9-29): PEWNESMHSL[Arg19Gln]ISVGGLPVLA

ClinVar aggregate classification (germline): Conflicting classifications of pathogenicity. Review status: criteria provided, conflicting classifications (1 of 4 stars). 7 submissions from 7 submitters: Uncertain significance (4); Likely benign (3). Last evaluated 2026-01-19.

Conditions:
CANT1-related disorder. Also called: CANT1-related condition.
Desbuquois dysplasia 1 (DBQD1). Also called: MICROMELIC DWARFISM WITH VERTEBRAL AND METAPHYSEAL ABNORMALITIES AND ADVANCED CARPOTARSAL OSSIFICATION; DESBUQUOIS DYSPLASIA 1, KIM VARIANT. Identifiers: Orphanet 1425, MedGen C4012146, MONDO:0009629, OMIM 251450.

Allele frequency attached by ClinVar (database versions not stated): 1000 Genomes Project 30x 0.00062; 1000 Genomes Project 0.00080; ESP Exome Variant Server 0.00108; gnomAD exomes 0.00112 and 0.00230; TOPMed 0.00127; ExAC 0.00145; gnomAD 0.00147 and 0.00151.
gnomAD v4.1: 3,440 of 1,562,990 alleles (0.22%); highest among the groups gnomAD compares: Non-Finnish European, 0.28%; 8 homozygotes.

Submissions (9):

Labcorp Genetics (formerly Invitae), Labcorp
Classification: Likely benign. Last evaluated: 2026-01-19. Review status: criteria provided, single submitter. Criteria: Invitae Variant Classification Sherloc (09022015). Collection method: clinical testing. Allele origin: germline.

ARUP Laboratories, Molecular Genetics and Genomics, ARUP Laboratories
Classification: Uncertain significance. Last evaluated: 2024-11-21. Review status: criteria provided, single submitter. Criteria: ARUP Molecular Germline Variant Investigation Process 2024. Collection method: clinical testing. Allele origin: germline.
Comment: The CANT1 c.56G>A; p.Arg19Gln variant (rs144060377), to our knowledge, is not reported in the medical literature but is reported in ClinVar (Variation ID: 279729). This variant is found in the non-Finnish European population with an overall allele frequency of 0.22% (233/106792 alleles, including 2 homozygotes) in the Genome Aggregation Database (v2.1.1). Computational analyses are uncertain whether this variant is neutral or deleterious (REVEL: 0.559). While the high population frequency suggests that this is likely a benign variant,, given the lack of clinical and functional data, the significance of this variant is uncertain at this time.

Blueprint Genetics
Classification: Likely benign. Last evaluated: 2024-11-21. Review status: criteria provided, single submitter. Criteria: ACMG Guidelines, 2015. Collection method: clinical testing. Allele origin: germline.

PreventionGenetics, part of Exact Sciences
Classification: Likely benign for CANT1-related condition. Last evaluated: 2024-10-21. Review status: criteria provided, single submitter. Criteria: ACMG Guidelines, 2015. Collection method: clinical testing. Allele origin: germline.
Comment: This variant is classified as likely benign based on ACMG/AMP sequence variant interpretation guidelines (Richards et al. 2015 PMID: 25741868, with internal and published modifications).

GeneDx
Classification: Uncertain significance. Last evaluated: 2019-07-19. Review status: criteria provided, single submitter. Criteria: GeneDx Variant Classification Process June 2021. Collection method: clinical testing. Allele origin: germline. Affected: yes.
Comment: In silico analysis, which includes protein predictors and evolutionary conservation, supports that this variant does not alter protein structure/function; Has not been previously published as pathogenic or benign to our knowledge

Illumina Laboratory Services, Illumina
Classification: Uncertain significance for Desbuquois dysplasia 1. Last evaluated: 2018-01-12. Review status: criteria provided, single submitter. Criteria: ICSL Variant Classification Criteria 13 December 2019. Collection method: clinical testing. Allele origin: germline.

Eurofins Ntd Llc (ga)
Classification: Uncertain significance. Last evaluated: 2015-07-13. Review status: criteria provided, single submitter. Criteria: EGL Classification Definitions 2015. Collection method: clinical testing. Allele origin: germline. Observed: 1 variant allele, 1 heterozygote.

Dr. Peter K. Rogan Lab, Western University
No classification provided (evidence only). Condition: Cervical cancer. Review status: no classification provided. Collection method: in vitro. Allele origin: not applicable. Functional consequence: retained intron. Not counted in ClinVar's aggregate classification.

Dr. Peter K. Rogan Lab, Western University
No classification provided (evidence only). Condition: Malignant tumor of esophagus. Review status: no classification provided. Collection method: in vitro. Allele origin: not applicable. Functional consequence: retained intron. Not counted in ClinVar's aggregate classification.